The following is an entry in ClinVar:

ClinVar aggregate classification (germline): Likely pathogenic (1 of 4 stars; one submission).

Conditions:
Carnitine palmitoyl transferase 1A deficiency. Also called: CPT I DEFICIENCY; CPT DEFICIENCY, HEPATIC, TYPE I; Carnitine palmitoyltransferase type I deficiency; Carnitine palmitoyltransferase 1A deficiency; CPT deficiency, hepatic, type IA. Identifiers: Orphanet 156, MedGen C1829703, MONDO:0009705, OMIM 255120.

Allele frequency attached by ClinVar (database versions not stated): ExAC 0.00001.
gnomAD v4.1: 5 of 1,614,076 alleles (0.00031%); highest among the groups gnomAD compares: Non-Finnish European, 0.00042%; no homozygotes.

Submission:

Labcorp Genetics (formerly Invitae), Labcorp
Classification: Likely pathogenic for Carnitine palmitoyl transferase 1A deficiency. Last evaluated: 2025-12-19. Review status: criteria provided, single submitter. Criteria: Invitae Variant Classification Sherloc (09022015). Collection method: clinical testing. Allele origin: germline.
Comment: This sequence change replaces arginine, which is basic and polar, with tryptophan, which is neutral and slightly polar, at codon 595 of the CPT1A protein (p.Arg595Trp). This variant is present in population databases (rs576663980, gnomAD 0.0009%). This missense change has been observed in individual(s) with carnitine palmitoyltransferase I (CPT1) deficiency (PMID: 23430932). ClinVar contains an entry for this variant (Variation ID: 2735690). Invitae Evidence Modeling of protein sequence and biophysical properties (such as structural, functional, and spatial information, amino acid conservation, physicochemical variation, residue mobility, and thermodynamic stability) indicates that this missense variant is expected to disrupt CPT1A protein function with a positive predictive value of 95%. In summary, the currently available evidence indicates that the variant is pathogenic, but additional data are needed to prove that conclusively. Therefore, this variant has been classified as Likely Pathogenic.

Literature cited by the submitters: PubMed 23430932.

NM_001876.4(CPT1A):c.1783C>T (p.Arg595Trp)

Gene: CPT1A (carnitine palmitoyltransferase 1A; minus strand). Cytogenetic location: 11q13.3.
Variant type: single nucleotide variant.
Coding change: c.1783C>T on transcript NM_001876.4 (MANE Select); coding-DNA position 1783, C replaced by T.
Protein change: p.Arg595Trp; replaces arginine 595 with tryptophan.
Molecular consequence: missense variant.
Genome position (GRCh38, 1-based): chr11:68,762,719, G>A on the plus strand (C>T on the coding strand, the complement: CPT1A is on the minus strand). VCF-style: chr11-68762719-G-A. GRCh37 (hg19) VCF-style: chr11-68530187-G-A.
Other names: c.1783C>T, p.Arg595Trp (NM_001031847.3); short protein forms R595W.
Identifiers: ClinVar variation 2735690 (VCV002735690.3), dbSNP rs576663980, ClinGen allele CA6152201.
Genomic context (GRCh38, chr11:68,762,719, plus strand): 5'-AGTCGCATGACTCAGTGGTGCAGGAGCGCACGGTCTCCGTCCTCCCCTCTCGGAAGAGCC[G>A]GGTCATGGAGGCCTCGTATGTGAGGCAAAACTTGCCCATGTCCTGGGGAAAGAGAAGTAC-3'
Protein context (NP_001867.2, residues 585-605): FCLTYEASMT[Arg595Trp]LFREGRTETV